The following is an entry in ClinVar:

ClinVar aggregate classification (germline): Uncertain significance (1 of 4 stars; one submission).

Allele frequency attached by ClinVar (database versions not stated): gnomAD exomes below 0.00001.
gnomAD v4.1: 2 of 1,605,126 alleles (0.00012%); highest among the groups gnomAD compares: Non-Finnish European, 0.00017%; no homozygotes.

Submission:

Labcorp Genetics (formerly Invitae), Labcorp
Classification: Uncertain significance. Last evaluated: 2022-02-04. Review status: criteria provided, single submitter. Criteria: Invitae Variant Classification Sherloc (09022015). Collection method: clinical testing. Allele origin: germline.
Comment: In summary, the available evidence is currently insufficient to determine the role of this variant in disease. Therefore, it has been classified as a Variant of Uncertain Significance. Algorithms developed to predict the effect of missense changes on protein structure and function are either unavailable or do not agree on the potential impact of this missense change (SIFT: "Deleterious"; PolyPhen-2: "Benign"; Align-GVGD: "Class C0"). This variant has not been reported in the literature in individuals affected with KL-related conditions. This variant is not present in population databases (gnomAD no frequency). This sequence change replaces histidine, which is basic and polar, with arginine, which is basic and polar, at codon 215 of the KL protein (p.His215Arg).

NM_004795.4(KL):c.644A>G (p.His215Arg)

Gene: KL (klotho; plus strand). Cytogenetic location: 13q13.1.
Variant type: single nucleotide variant.
Coding change: c.644A>G on transcript NM_004795.4 (MANE Select); coding-DNA position 644, A replaced by G.
Protein change: p.His215Arg; replaces histidine 215 with arginine.
Molecular consequence: missense variant.
Genome position (GRCh38, 1-based): chr13:33,017,084, A>G. VCF-style: chr13-33017084-A-G. GRCh37 (hg19) VCF-style: chr13-33591222-A-G.
Other names: short protein forms H215R.
Identifiers: ClinVar variation 1348828 (VCV001348828.8), dbSNP rs1784312519, ClinGen allele CA387782232.